The following is an entry in ClinVar:

ClinVar aggregate classification (germline): Uncertain significance (1 of 4 stars; one submission).

gnomAD v4.1: 7 of 1,597,660 alleles (0.00044%); highest among the groups gnomAD compares: African/African-American, 0.0027%; no homozygotes.

Submission:

Labcorp Genetics (formerly Invitae), Labcorp
Classification: Uncertain significance. Last evaluated: 2025-06-06. Review status: criteria provided, single submitter. Criteria: Invitae Variant Classification Sherloc (09022015). Collection method: clinical testing. Allele origin: germline.
Comment: This sequence change replaces lysine, which is basic and polar, with glutamic acid, which is acidic and polar, at codon 330 of the KLF10 protein (p.Lys330Glu). This variant is present in population databases (rs775031030, gnomAD 0.004%). This variant has not been reported in the literature in individuals affected with KLF10-related conditions. An algorithm developed to predict the effect of missense changes on protein structure and function (PolyPhen-2) suggests that this variant is likely to be tolerated. In summary, the available evidence is currently insufficient to determine the role of this variant in disease. Therefore, it has been classified as a Variant of Uncertain Significance.

NM_005655.4(KLF10):c.988A>G (p.Lys330Glu)

Gene: KLF10 (KLF transcription factor 10; minus strand). Cytogenetic location: 8q22.3.
Variant type: single nucleotide variant.
Coding change: c.988A>G on transcript NM_005655.4 (MANE Select); coding-DNA position 988, A replaced by G.
Protein change: p.Lys330Glu; replaces lysine 330 with glutamic acid.
Molecular consequence: missense variant.
Genome position (GRCh38, 1-based): chr8:102,651,344, T>C on the plus strand (A>G on the coding strand, the complement: KLF10 is on the minus strand). VCF-style: chr8-102651344-T-C. GRCh37 (hg19) VCF-style: chr8-103663572-T-C.
Other names: c.955A>G, p.Lys319Glu (NM_001032282.4); short protein forms K319E, K330E.
Identifiers: ClinVar variation 4735028 (VCV004735028.1).